The following is an entry in ClinVar:

NM_012434.5(SLC17A5):c.[509T>C;511G>A]

Variant type: Haplotype.
Identifiers: ClinVar variation 1705166 (VCV001705166.1).

ClinVar aggregate classification (germline): Uncertain significance (1 of 4 stars; one submission).

Submission:

Women's Health and Genetics/Laboratory Corporation of America, LabCorp
Classification: Uncertain significance. Last evaluated: 2022-08-02. Review status: criteria provided, single submitter. Criteria: LabCorp Variant Classification Summary - May 2015. Collection method: clinical testing. Allele origin: germline.
Comment: Variant summary: SLC17A5 c.[509T>C;511G>A] (p.[Leu170Pro;Glu171Lys]) variant is a complex allele and involves the alteration of multiple nucleotides. Neither variant was present in the gnomad database (absent in 31406 alleles). The available data on variant occurrences in the general population are insufficient to allow any conclusion about variant significance. To our knowledge, no occurrence of c.[509T>C;511G>A] in individuals affected with Sialic Acid Storage Disorder and no experimental evidence demonstrating its impact on protein function have been reported. No clinical diagnostic laboratories have submitted clinical-significance assessments for this variant to ClinVar after 2014. Based on the evidence outlined above, the variant was classified as uncertain significance.